The following is an entry in ClinVar:

ClinVar aggregate classification (germline): Uncertain significance (1 of 4 stars; one submission).

Submission:

Labcorp Genetics (formerly Invitae), Labcorp
Classification: Uncertain significance. Last evaluated: 2022-07-05. Review status: criteria provided, single submitter. Criteria: Invitae Variant Classification Sherloc (09022015). Collection method: clinical testing. Allele origin: germline.
Comment: This sequence change affects a donor splice site in intron 3 of the CLCC1 gene. It is expected to disrupt RNA splicing. Variants that disrupt the donor or acceptor splice site typically lead to a loss of protein function (PMID: 16199547), however the current clinical and genetic evidence is not sufficient to establish whether loss-of-function variants in CLCC1 cause disease. This variant is not present in population databases (gnomAD no frequency). This variant has not been reported in the literature in individuals affected with CLCC1-related conditions. ClinVar contains an entry for this variant (Variation ID: 1522690). Algorithms developed to predict the effect of sequence changes on RNA splicing suggest that this variant may disrupt the consensus splice site. In summary, the available evidence is currently insufficient to determine the role of this variant in disease. Therefore, it has been classified as a Variant of Uncertain Significance.

Literature cited by the submitters: PubMed 16199547.

NM_001377458.1(CLCC1):c.231+1G>T

Gene: CLCC1 (chloride channel CLIC like 1; minus strand). Cytogenetic location: 1p13.3.
Variant type: single nucleotide variant.
Coding change: c.231+1G>T on transcript NM_001377458.1 (MANE Select); the canonical splice donor site of the intron after coding-DNA position 231, G replaced by T.
Molecular consequence: splice donor variant. On other transcripts: intron variant (1).
Genome position (GRCh38, 1-based): chr1:108,949,819, C>A on the plus strand (G>T on the coding strand, the complement: CLCC1 is on the minus strand). VCF-style: chr1-108949819-C-A. GRCh37 (hg19) VCF-style: chr1-109492441-C-A.
Other names: c.231+1G>T (NM_001377464.1, NM_001377462.1, NM_001377467.1 and 11 more transcripts); c.129+490G>T (NM_001377469.1); c.-232+1G>T (NM_001377470.1).
Identifiers: ClinVar variation 1522690 (VCV001522690.8), dbSNP rs2101682316, ClinGen allele CA341466110.
Genomic context (GRCh38, chr1:108,949,819, plus strand): 5'-AAGAATATAGAGCGATTTAACATAATATAAAAATATAAAATTTATCAATAAAAAAACTAA[C>A]CTTATAAGTTAAAGAATCAAGTTTGTGATAACATTCTGATATTTCATCAGCACATGACAA-3'